The following is an entry in ClinVar:

NM_032608.7(MYO18B):c.1512+6G>A

Gene: MYO18B (myosin XVIIIB; plus strand). Cytogenetic location: 22q12.1.
Variant type: single nucleotide variant.
Coding change: c.1512+6G>A on transcript NM_032608.7 (MANE Select); 6 bases into the intron after coding-DNA position 1512, G replaced by A.
Molecular consequence: intron variant.
Genome position (GRCh38, 1-based): chr22:25,769,434, G>A. VCF-style: chr22-25769434-G-A. GRCh37 (hg19) VCF-style: chr22-26165401-G-A.
Other names: c.1512+6G>A (NM_001318245.2, NM_032608.6).
Identifiers: ClinVar variation 1441530 (VCV001441530.5), dbSNP rs771913917, ClinGen allele CA10159836.
Genomic context (GRCh38, chr22:25,769,434, plus strand): 5'-CGGGCCAGCCCCGCAGGAGGAGGGCAAAGGAGGCCAGAGCAGAGACTCAGACCAGGTGAG[G>A]GGGCTGCGGCCCTGGGAGCGGGAAGCGGCAGACAGGCCTCTCCAGAGATGCAGGGATGGG-3'

ClinVar aggregate classification (germline): Uncertain significance. Review status: criteria provided, single submitter (1 of 4 stars). 2 submissions from 2 submitters: Uncertain significance (1). 1 of the submissions does not count toward it. Last evaluated 2022-07-18.

Conditions:
MYO18B-related disorder. Also called: MYO18B-related condition.

Allele frequency attached by ClinVar (database versions not stated): ExAC 0.00030; gnomAD 0.00004; gnomAD exomes 0.00007 and 0.00011; TOPMed 0.00008.
gnomAD v4.1: 160 of 1,517,618 alleles (0.011%); highest among the groups gnomAD compares: Non-Finnish European, 0.013%; no homozygotes.

Submissions (2):

Labcorp Genetics (formerly Invitae), Labcorp
Classification: Uncertain significance. Last evaluated: 2022-07-18. Review status: criteria provided, single submitter. Criteria: Invitae Variant Classification Sherloc (09022015). Collection method: clinical testing. Allele origin: germline.
Comment: This sequence change falls in intron 4 of the MYO18B gene. It does not directly change the encoded amino acid sequence of the MYO18B protein. It affects a nucleotide within the consensus splice site. This variant is present in population databases (rs771913917, gnomAD 0.02%). This variant has not been reported in the literature in individuals affected with MYO18B-related conditions. ClinVar contains an entry for this variant (Variation ID: 1441530). Variants that disrupt the consensus splice site are a relatively common cause of aberrant splicing (PMID: 17576681, 9536098). Algorithms developed to predict the effect of sequence changes on RNA splicing suggest that this variant is not likely to affect RNA splicing. In summary, the available evidence is currently insufficient to determine the role of this variant in disease. Therefore, it has been classified as a Variant of Uncertain Significance.

PreventionGenetics, part of Exact Sciences
Classification: Likely benign for MYO18B-related condition. Last evaluated: 2019-06-27. Review status: no assertion criteria provided. Collection method: clinical testing. Allele origin: germline. Not counted in ClinVar's aggregate classification.
Comment: This variant is classified as likely benign based on ACMG/AMP sequence variant interpretation guidelines (Richards et al. 2015 PMID: 25741868, with internal and published modifications).

Literature cited by the submitters: PubMed 17576681 (cited by Labcorp Genetics (formerly Invitae), Labcorp); PubMed 9536098 (cited by Labcorp Genetics (formerly Invitae), Labcorp).